The following is an entry in ClinVar:

NM_020745.4(AARS2):c.-9G>C

Gene: AARS2 (alanyl-tRNA synthetase 2, mitochondrial; minus strand). Cytogenetic location: 6p21.1.
Variant type: single nucleotide variant.
Coding change: c.-9G>C on transcript NM_020745.4 (MANE Select); 9 bases upstream of the start codon, G replaced by C.
Molecular consequence: 5 prime UTR variant.
Genome position (GRCh38, 1-based): chr6:44,313,332, C>G on the plus strand (G>C on the coding strand, the complement: AARS2 is on the minus strand). VCF-style: chr6-44313332-C-G. GRCh37 (hg19) VCF-style: chr6-44281069-C-G.
Identifiers: ClinVar variation 3357988 (VCV003357988.1).

ClinVar aggregate classification (germline): Likely benign (0 of 4 stars; one submission).

Conditions:
AARS2-related disorder. Also called: AARS2-related condition; AARS2-related disorders. Identifiers: MedGen CN381518, MONDO:1060240.

gnomAD v4.1: 14 of 1,599,100 alleles (0.00088%); highest among the groups gnomAD compares: Non-Finnish European, 0.0012%; no homozygotes.

Submission:

PreventionGenetics, part of Exact Sciences
Classification: Likely benign for AARS2-related condition. Last evaluated: 2024-07-18. Review status: no assertion criteria provided. Collection method: clinical testing. Allele origin: germline.
Comment: This variant is classified as likely benign based on ACMG/AMP sequence variant interpretation guidelines (Richards et al. 2015 PMID: 25741868, with internal and published modifications).